The following is an entry in ClinVar:

ClinVar aggregate classification (germline): Uncertain significance (1 of 4 stars; one submission).

Conditions:
Aortic aneurysm, familial thoracic 4 (AAT4). Also called: AORTIC ANEURYSM/AORTIC DISSECTION AND PATENT DUCTUS ARTERIOSUS. Identifiers: MedGen C1851504, MONDO:0007568, OMIM 132900.

Submission:

Labcorp Genetics (formerly Invitae), Labcorp
Classification: Uncertain significance for Aortic aneurysm, familial thoracic 4. Last evaluated: 2022-10-25. Review status: criteria provided, single submitter. Criteria: Invitae Variant Classification Sherloc (09022015). Collection method: clinical testing. Allele origin: germline.
Comment: A copy number gain of the genomic region encompassing the full coding sequence of the MYH11 gene has been identified. The boundaries of this event are unknown as they extend beyond the assayed region for this gene and therefore may encompass additional genes. As the precise location of this event is unknown, it may be in tandem or it may be located elsewhere in the genome. Isolated whole-gene copy number gains of MYH11 have not been reported in the literature. However, larger copy number events that include this gene have been reported (PMID: 21698135, 28367076, 29441698). In summary, the available evidence is currently insufficient to determine the role of this variant in disease. Therefore, it has been classified as a Variant of Uncertain Significance.

Literature cited by the submitters: PubMed 21698135; PubMed 28367076; PubMed 29441698.

NC_000016.9:g.(?_15802668)_(15932109_?)dup

Genes: MYH11 (myosin heavy chain 11; minus strand), NDE1 (nudE neurodevelopment protein 1; plus strand). Cytogenetic location: 16p13.11.
Variant type: Duplication.
Identifiers: ClinVar variation 1373422 (VCV001373422.4).